The following is an entry in ClinVar:

ClinVar aggregate classification (germline): Benign/Likely benign. Review status: criteria provided, multiple submitters, no conflicts (2 of 4 stars). 20 submissions from 14 submitters: Benign (16); Likely benign (2). 2 of the submissions do not count toward it. Last evaluated 2026-02-02.

Conditions:
Connective tissue disorder. Also called: Connective tissue disease. Identifiers: MedGen C0009782, MONDO:0003900.
Geleophysic dysplasia. Identifiers: Orphanet 2623, MedGen C3489726, MONDO:0000127.
Weill-Marchesani syndrome. Also called: WM Syndrome; Mesodermal dysmorphodystrophy congenital. Identifiers: Orphanet 3449, MedGen C0265313, MONDO:0018096.
Familial thoracic aortic aneurysm and aortic dissection (TAAD). Also called: Thoracic aortic aneurysms and dissections. Identifiers: Orphanet 91387, MedGen C4707243, MONDO:0019625.
Marfan syndrome (MFS). Also called: MARFAN SYNDROME, TYPE I; Marfan syndrome, classic; FBN1-Related Marfan Syndrome; Marfan syndrome type 1; Marfan's syndrome. Identifiers: Orphanet 284963, Orphanet 558, MedGen C0024796, MONDO:0007947, OMIM 154700.
Acromicric dysplasia (ACMICD). Also called: Acromicric skeletal dysplasia. Identifiers: Orphanet 969, MedGen C0265287, MONDO:0007055, OMIM 102370.
Ectopia lentis 1, isolated, autosomal dominant (ECTOL1). Identifiers: Orphanet 1885, MedGen C3541518, MONDO:0007514, OMIM 129600.
Stiff skin syndrome (SSKS). Identifiers: Orphanet 2833, MedGen C1861456, MONDO:0008492, OMIM 184900.

Allele frequency attached by ClinVar (database versions not stated): gnomAD 0.00859 and 0.00806; TOPMed 0.00900; 1000 Genomes Project 0.01058; gnomAD exomes 0.00079 and 0.00197; ExAC 0.00237; ESP Exome Variant Server 0.00916; 1000 Genomes Project 30x 0.01140.
gnomAD v4.1: 2,421 of 1,614,086 alleles (0.15%); highest among the groups gnomAD compares: African/African-American, 2.9%; 36 homozygotes.

Submissions (20):

Labcorp Genetics (formerly Invitae), Labcorp
Classification: Benign for Marfan syndrome; Familial thoracic aortic aneurysm and aortic dissection. Last evaluated: 2026-02-02. Review status: criteria provided, single submitter. Criteria: Invitae Variant Classification Sherloc (09022015). Collection method: clinical testing. Allele origin: germline.

Molecular Diagnostic Laboratory for Inherited Cardiovascular Disease, Montreal Heart Institute
Classification: Benign. Last evaluated: 2025-04-09. Review status: criteria provided, single submitter. Criteria: ACMG Guidelines, 2015. Collection method: clinical testing. Allele origin: germline. Affected: no.

ARUP Laboratories, Molecular Genetics and Genomics, ARUP Laboratories
Classification: Benign. Last evaluated: 2025-02-12. Review status: criteria provided, single submitter. Criteria: ARUP Molecular Germline Variant Investigation Process 2024. Collection method: clinical testing. Allele origin: germline.

CHEO Genetics Diagnostic Laboratory, Children's Hospital of Eastern Ontario
Classification: Benign for Familial thoracic aortic aneurysm and aortic dissection. Last evaluated: 2023-06-06. Review status: criteria provided, single submitter. Criteria: ACMG Guidelines, 2015. Collection method: clinical testing. Allele origin: germline.

Mayo Clinic Laboratories, Mayo Clinic
Classification: Benign. Last evaluated: 2022-05-24. Review status: criteria provided, single submitter. Criteria: ACMG Guidelines, 2015. Collection method: clinical testing. Allele origin: germline. Observed: 8 variant alleles.
Comment: BS1, BP4, BP7

Genome Diagnostics Laboratory, The Hospital for Sick Children
Classification: Likely benign for Connective tissue disorder. Last evaluated: 2019-05-01. Review status: criteria provided, single submitter. Criteria: ACMG Guidelines, 2015. Collection method: clinical testing. Allele origin: germline.

Color Diagnostics, LLC DBA Color Health
Classification: Benign for Familial thoracic aortic aneurysm and aortic dissection. Last evaluated: 2018-03-09. Review status: criteria provided, single submitter. Criteria: ACMG Guidelines, 2015. Collection method: clinical testing. Allele origin: germline.

Illumina Laboratory Services, Illumina
Classification: Benign for Weill-Marchesani syndrome. Last evaluated: 2018-01-13. Review status: criteria provided, single submitter. Criteria: ICSL Variant Classification Criteria 13 December 2019. Collection method: clinical testing. Allele origin: germline.
Comment: This variant was observed in the ICSL laboratory as part of a predisposition screen in an ostensibly healthy population. It had not been previously curated by ICSL or reported in the Human Gene Mutation Database (HGMD: prior to June 1st, 2018), and was therefore a candidate for classification through an automated scoring system. Utilizing variant allele frequency, disease prevalence and penetrance estimates, and inheritance mode, an automated score was calculated to assess if this variant is too frequent to cause the disease. Based on the score and internal cut-off values, a variant classified as benign is not then subjected to further curation. The score for this variant resulted in a classification of benign for this disease.

Illumina Laboratory Services, Illumina
Classification: Benign for Geleophysic dysplasia. Last evaluated: 2018-01-13. Review status: criteria provided, single submitter. Criteria: ICSL Variant Classification Criteria 13 December 2019. Collection method: clinical testing. Allele origin: germline.
Comment: the same text as in the submission from Illumina Laboratory Services, Illumina above.

Illumina Laboratory Services, Illumina
Classification: Benign for Stiff skin syndrome. Last evaluated: 2018-01-13. Review status: criteria provided, single submitter. Criteria: ICSL Variant Classification Criteria 13 December 2019. Collection method: clinical testing. Allele origin: germline.
Comment: the same text as in the submission from Illumina Laboratory Services, Illumina above.

Illumina Laboratory Services, Illumina
Classification: Benign for Acromicric dysplasia. Last evaluated: 2018-01-13. Review status: criteria provided, single submitter. Criteria: ICSL Variant Classification Criteria 13 December 2019. Collection method: clinical testing. Allele origin: germline.
Comment: the same text as in the submission from Illumina Laboratory Services, Illumina above.

Illumina Laboratory Services, Illumina
Classification: Benign for Ectopia lentis 1, isolated, autosomal dominant. Last evaluated: 2018-01-13. Review status: criteria provided, single submitter. Criteria: ICSL Variant Classification Criteria 13 December 2019. Collection method: clinical testing. Allele origin: germline.
Comment: the same text as in the submission from Illumina Laboratory Services, Illumina above.

Illumina Laboratory Services, Illumina
Classification: Likely benign for Familial thoracic aortic aneurysm and aortic dissection. Last evaluated: 2018-01-13. Review status: criteria provided, single submitter. Criteria: ICSL Variant Classification Criteria 13 December 2019. Collection method: clinical testing. Allele origin: germline.
Comment: This variant was observed in the ICSL laboratory as part of a predisposition screen in an ostensibly healthy population. It had not been previously curated by ICSL or reported in the Human Gene Mutation Database (HGMD: prior to June 1st, 2018), and was therefore a candidate for classification through an automated scoring system. Utilizing variant allele frequency, disease prevalence and penetrance estimates, and inheritance mode, an automated score was calculated to assess if this variant is too frequent to cause the disease. Based on the score and internal cut-off values, a variant classified as likely benign is not then subjected to further curation. The score for this variant resulted in a classification of likely benign for this disease.

Illumina Laboratory Services, Illumina
Classification: Benign for Marfan syndrome. Last evaluated: 2018-01-13. Review status: criteria provided, single submitter. Criteria: ICSL Variant Classification Criteria 13 December 2019. Collection method: clinical testing. Allele origin: germline.
Comment: the same text as in the submission from Illumina Laboratory Services, Illumina above.

GeneDx
Classification: Benign. Last evaluated: 2012-10-05. Review status: criteria provided, single submitter. Criteria: GeneDx Variant Classification (06012015). Collection method: clinical testing. Allele origin: germline. Affected: yes.
Comment: This variant is considered likely benign or benign based on one or more of the following criteria: it is a conservative change, it occurs at a poorly conserved position in the protein, it is predicted to be benign by multiple in silico algorithms, and/or has population frequency not consistent with disease.

Women's Health and Genetics/Laboratory Corporation of America, LabCorp
Classification: Benign for Marfan Syndrome. Last evaluated: 2011-08-18. Review status: criteria provided, single submitter. Criteria: LabCorp Variant Classification Summary - May 2015. Collection method: curation, clinical testing. Allele origin: germline. Inheritance: autosomal unknown. Affected: yes.
ClinVar note: Converted during submission from benign to Benign.

Laboratory for Molecular Medicine, Mass General Brigham Personalized Medicine
Classification: Benign. Last evaluated: 2010-02-16. Review status: criteria provided, single submitter. Criteria: LMM Criteria. Collection method: clinical testing. Allele origin: germline. Observed: 5 variant alleles.

PreventionGenetics, part of Exact Sciences
Classification: Benign. Review status: criteria provided, single submitter. Criteria: ACMG Guidelines, 2015. Collection method: clinical testing. Allele origin: germline.

Genome Diagnostics Laboratory, Amsterdam University Medical Center
Classification: Benign. Review status: no assertion criteria provided. Collection method: clinical testing. Allele origin: germline. Affected: yes. Study: VKGL Data-share Consensus. Not counted in ClinVar's aggregate classification.

Joint Genome Diagnostic Labs from Nijmegen and Maastricht, Radboudumc and MUMC+
Classification: Benign. Review status: no assertion criteria provided. Collection method: clinical testing. Allele origin: germline. Affected: yes. Study: VKGL Data-share Consensus. Not counted in ClinVar's aggregate classification.

NM_000138.5(FBN1):c.3965-8T>C

Gene: FBN1 (fibrillin 1; minus strand). Cytogenetic location: 15q21.1.
Variant type: single nucleotide variant.
Coding change: c.3965-8T>C on transcript NM_000138.5 (MANE Select); 8 bases into the intron before coding-DNA position 3965, T replaced by C.
Molecular consequence: intron variant.
Genome position (GRCh38, 1-based): chr15:48,474,658, A>G on the plus strand (T>C on the coding strand, the complement: FBN1 is on the minus strand). VCF-style: chr15-48474658-A-G. GRCh37 (hg19) VCF-style: chr15-48766855-A-G.
Other names: p.?.
Identifiers: ClinVar variation 36072 (VCV000036072.41), dbSNP rs140637, ClinGen allele CA014660.
Genomic context (GRCh38, chr15:48,474,658, plus strand): 5'-ACATACAGCATGTTTGCCACAGTTGTGTGCTCCAATTTCACATTCATTGATGTCTGGAAA[A>G]ATGAGCAGTGATTTAGAAAAAGGCTCAGCACAAATGTCTTTTGGTTTTTAAAATAAGTAA-3'